The following is an entry in ClinVar:

NM_020338.4(ZMIZ1):c.721C>T (p.Arg241Trp)

Gene: ZMIZ1 (zinc finger MIZ-type containing 1; plus strand). Cytogenetic location: 10q22.3.
Variant type: single nucleotide variant.
Coding change: c.721C>T on transcript NM_020338.4 (MANE Select); coding-DNA position 721, C replaced by T.
Protein change: p.Arg241Trp; replaces arginine 241 with tryptophan.
Molecular consequence: missense variant.
Genome position (GRCh38, 1-based): chr10:79,291,139, C>T. VCF-style: chr10-79291139-C-T. GRCh37 (hg19) VCF-style: chr10-81050896-C-T.
Other names: short protein forms R241W.
Identifiers: ClinVar variation 2692510 (VCV002692510.1), dbSNP rs1358586610, ClinGen allele CA377332628.

ClinVar aggregate classification (germline): Uncertain significance (1 of 4 stars; one submission).

Submission:

Greenwood Genetic Center Diagnostic Laboratories, Greenwood Genetic Center
Classification: Uncertain significance. Last evaluated: 2023-10-09. Review status: criteria provided, single submitter. Criteria: ACMG Guidelines, 2015. Collection method: clinical testing. Allele origin: germline. Affected: yes.
Comment: PM2